The following is an entry in ClinVar:

ClinVar aggregate classification (germline): Pathogenic. Review status: criteria provided, multiple submitters, no conflicts (2 of 4 stars). 3 submissions from 3 submitters: Pathogenic (2). 1 of the submissions does not count toward it. Last evaluated 2023-11-10.

Conditions:
KRT10-related disorder. Also called: KRT10-related condition.

Submissions (3):

Labcorp Genetics (formerly Invitae), Labcorp
Classification: Pathogenic. Last evaluated: 2023-11-10. Review status: criteria provided, single submitter. Criteria: Invitae Variant Classification Sherloc (09022015). Collection method: clinical testing. Allele origin: germline.
Comment: This sequence change replaces arginine, which is basic and polar, with serine, which is neutral and polar, at codon 156 of the KRT10 protein (p.Arg156Ser). This variant is not present in population databases (gnomAD no frequency). This missense change has been observed in individuals with KRT10 related conditions (PMID: 7507152, 12234709, 22930352). ClinVar contains an entry for this variant (Variation ID: 66174). Advanced modeling of protein sequence and biophysical properties (such as structural, functional, and spatial information, amino acid conservation, physicochemical variation, residue mobility, and thermodynamic stability) performed at Invitae indicates that this missense variant is expected to disrupt KRT10 protein function with a positive predictive value of 80%. Algorithms developed to predict the effect of sequence changes on RNA splicing suggest that this variant may create or strengthen a splice site. This variant disrupts the p.Arg156 amino acid residue in KRT10. Other variant(s) that disrupt this residue have been determined to be pathogenic (PMID: 21271994, 22930352, 28532675). This suggests that this residue is clinically significant, and that variants that disrupt this residue are likely to be disease-causing. For these reasons, this variant has been classified as Pathogenic.

Blueprint Genetics
Classification: Pathogenic for KRT10-related disorders. Last evaluated: 2021-06-09. Review status: criteria provided, single submitter. Criteria: ACMG Guidelines, 2015. Collection method: clinical testing. Allele origin: germline. Affected: yes. Observed: 1 variant allele.

Epithelial Biology;  Institute of Medical Biology, Singapore
No classification provided. Review status: no classification provided. Collection method: not provided. Allele origin: not provided. Not counted in ClinVar's aggregate classification.

Literature cited by the submitters: PubMed 7507152 (cited by Labcorp Genetics (formerly Invitae), Labcorp); PubMed 12234709 (cited by Labcorp Genetics (formerly Invitae), Labcorp); PubMed 22930352 (cited by Labcorp Genetics (formerly Invitae), Labcorp); PubMed 21271994 (cited by Labcorp Genetics (formerly Invitae), Labcorp); PubMed 28532675 (cited by Labcorp Genetics (formerly Invitae), Labcorp).

NM_000421.5(KRT10):c.466C>A (p.Arg156Ser)

Genes: KRT10 (keratin 10; minus strand), KRT10-AS1 (KRT10 antisense RNA 1; plus strand). Cytogenetic location: 17q21.2.
Variant type: single nucleotide variant.
Coding change: c.466C>A on transcript NM_000421.5 (MANE Select); coding-DNA position 466, C replaced by A.
Protein change: p.Arg156Ser; replaces arginine 156 with serine.
Molecular consequence: missense variant.
Genome position (GRCh38, 1-based): chr17:40,822,120, G>T on the plus strand (C>A on the coding strand, the complement: KRT10 is on the minus strand). VCF-style: chr17-40822120-G-T. GRCh37 (hg19) VCF-style: chr17-38978372-G-T.
Other names: c.466C>A, p.Arg156Ser (NM_001379366.1); short protein forms R156S.
Identifiers: ClinVar variation 66174 (VCV000066174.5), dbSNP rs58852768, ClinGen allele CA216590.